The following is an entry in ClinVar:

ClinVar aggregate classification (germline): Conflicting classifications of pathogenicity. Review status: criteria provided, conflicting classifications (1 of 4 stars). 3 submissions from 3 submitters: Uncertain significance (2); Likely benign (1). Last evaluated 2026-01-19.

Conditions:
EP300-related disorder. Also called: EP300-related condition; EP300-related disorders.
Rubinstein-Taybi syndrome due to EP300 haploinsufficiency. Also called: EP300-Related Rubinstein-Taybi Syndrome; RUBINSTEIN-TAYBI SYNDROME 2. Identifiers: Orphanet 353284, Orphanet 783, MedGen C3150941, MONDO:0013364, OMIM 613684.

Allele frequency attached by ClinVar (database versions not stated): gnomAD exomes below 0.00001 and 0.00002; TOPMed below 0.00001; gnomAD 0.00001.
gnomAD v4.1: 26 of 1,613,878 alleles (0.0016%); highest among the groups gnomAD compares: Non-Finnish European, 0.0022%; no homozygotes.

Submissions (3):

Labcorp Genetics (formerly Invitae), Labcorp
Classification: Likely benign for Rubinstein-Taybi syndrome due to EP300 haploinsufficiency. Last evaluated: 2026-01-19. Review status: criteria provided, single submitter. Criteria: Invitae Variant Classification Sherloc (09022015). Collection method: clinical testing. Allele origin: germline.

PreventionGenetics, part of Exact Sciences
Classification: Uncertain significance for EP300-related condition. Last evaluated: 2025-06-10. Review status: criteria provided, single submitter. Criteria: ACMG Guidelines, 2015. Collection method: clinical testing. Allele origin: germline.
Comment: The EP300 c.6473T>C variant is predicted to result in the amino acid substitution p.Met2158Thr. To our knowledge, this variant has not been reported in the literature. This variant is reported in 0.00088% of alleles in individuals of European (Non-Finnish) descent in gnomAD. At this time, the clinical significance of this variant is uncertain due to the absence of conclusive functional and genetic evidence.

GeneDx
Classification: Uncertain significance. Last evaluated: 2019-08-30. Review status: criteria provided, single submitter. Criteria: GeneDx Variant Classification Process June 2021. Collection method: clinical testing. Allele origin: germline. Affected: yes.
Comment: In silico analysis, which includes protein predictors and evolutionary conservation, supports a deleterious effect; Has not been previously published as pathogenic or benign to our knowledge

NM_001429.4(EP300):c.6473T>C (p.Met2158Thr)

Gene: EP300 (EP300 lysine acetyltransferase; plus strand). Cytogenetic location: 22q13.2.
Variant type: single nucleotide variant.
Coding change: c.6473T>C on transcript NM_001429.4 (MANE Select); coding-DNA position 6473, T replaced by C.
Protein change: p.Met2158Thr; replaces methionine 2158 with threonine.
Molecular consequence: missense variant.
Genome position (GRCh38, 1-based): chr22:41,178,184, T>C. VCF-style: chr22-41178184-T-C. GRCh37 (hg19) VCF-style: chr22-41574188-T-C.
Other names: c.6395T>C, p.Met2132Thr (NM_001362843.2); short protein forms M2132T, M2158T.
Identifiers: ClinVar variation 1309749 (VCV001309749.11), dbSNP rs778354178, ClinGen allele CA324519404.